The following is an entry in ClinVar:

NM_002661.5(PLCG2):c.2073G>A (p.Lys691=)

Gene: PLCG2 (phospholipase C gamma 2; plus strand). Cytogenetic location: 16q23.3.
Variant type: single nucleotide variant.
Coding change: c.2073G>A on transcript NM_002661.5 (MANE Select); coding-DNA position 2073, G replaced by A.
Protein change: p.Lys691=; no amino-acid change (lysine 691 retained).
Molecular consequence: synonymous variant.
Genome position (GRCh38, 1-based): chr16:81,919,502, G>A. VCF-style: chr16-81919502-G-A. GRCh37 (hg19) VCF-style: chr16-81953107-G-A.
Identifiers: ClinVar variation 1085128 (VCV001085128.22), dbSNP rs377223625, ClinGen allele CA8194079.

ClinVar aggregate classification (germline): Likely benign. Review status: criteria provided, multiple submitters, no conflicts (2 of 4 stars). 2 submissions from 2 submitters: Likely benign (2). Last evaluated 2026-01-09.

Conditions:
Familial cold autoinflammatory syndrome 3 (FCAS3). Also called: FAMILIAL ATYPICAL COLD URTICARIA; ANTIBODY DEFICIENCY AND IMMUNE DYSREGULATION, PLCG2-ASSOCIATED. Identifiers: Orphanet 300359, MedGen C3280914, MONDO:0013766, OMIM 614468.

Allele frequency attached by ClinVar (database versions not stated): ExAC 0.00003; gnomAD 0.00005 and 0.00009; gnomAD exomes 0.00005; TOPMed 0.00006; ESP Exome Variant Server 0.00016.
gnomAD v4.1: 157 of 1,613,930 alleles (0.0097%); highest among the groups gnomAD compares: Non-Finnish European, 0.012%; no homozygotes.

Submissions (2):

Labcorp Genetics (formerly Invitae), Labcorp
Classification: Likely benign for Familial cold autoinflammatory syndrome 3. Last evaluated: 2026-01-09. Review status: criteria provided, single submitter. Criteria: Invitae Variant Classification Sherloc (09022015). Collection method: clinical testing. Allele origin: germline.

CeGaT Center for Human Genetics Tuebingen
Classification: Likely benign. Last evaluated: 2025-02-01. Review status: criteria provided, single submitter. Criteria: CeGaT Center For Human Genetics Tuebingen Variant Classification Criteria Version 2. Collection method: clinical testing. Allele origin: germline. Affected: yes. Observed: 1 variant allele.
Comment: PLCG2: BP4, BP7